The following is an entry in ClinVar:

NM_001376.5(DYNC1H1):c.2768C>G (p.Thr923Arg)

Gene: DYNC1H1 (dynein cytoplasmic 1 heavy chain 1; plus strand). Cytogenetic location: 14q32.31.
Variant type: single nucleotide variant.
Coding change: c.2768C>G on transcript NM_001376.5 (MANE Select); coding-DNA position 2768, C replaced by G.
Protein change: p.Thr923Arg; replaces threonine 923 with arginine.
Molecular consequence: missense variant.
Genome position (GRCh38, 1-based): chr14:101,988,752, C>G. VCF-style: chr14-101988752-C-G. GRCh37 (hg19) VCF-style: chr14-102455089-C-G.
Other names: short protein forms T923R.
Identifiers: ClinVar variation 3636127 (VCV003636127.2).

ClinVar aggregate classification (germline): Uncertain significance (1 of 4 stars; one submission).

Conditions:
Charcot-Marie-Tooth disease axonal type 2O. Also called: Charcot-Marie-Tooth disease, axonal, type 20; CHARCOT-MARIE-TOOTH NEUROPATHY, AXONAL, TYPE 2O; CHARCOT-MARIE-TOOTH DISEASE, AXONAL, AUTOSOMAL DOMINANT, TYPE 2O; Charcot-Marie-Tooth Neuropathy Type 2O. Identifiers: Orphanet 284232, MedGen C3280220, MONDO:0013644, OMIM 614228.

Submission:

Labcorp Genetics (formerly Invitae), Labcorp
Classification: Uncertain significance for Charcot-Marie-Tooth disease axonal type 2O. Last evaluated: 2024-02-21. Review status: criteria provided, single submitter. Criteria: Invitae Variant Classification Sherloc (09022015). Collection method: clinical testing. Allele origin: germline.
Comment: This sequence change replaces threonine, which is neutral and polar, with arginine, which is basic and polar, at codon 923 of the DYNC1H1 protein (p.Thr923Arg). This variant is not present in population databases (gnomAD no frequency). This variant has not been reported in the literature in individuals affected with DYNC1H1-related conditions. Advanced modeling of protein sequence and biophysical properties (such as structural, functional, and spatial information, amino acid conservation, physicochemical variation, residue mobility, and thermodynamic stability) has been performed at Invitae for this missense variant, however the output from this modeling did not meet the statistical confidence thresholds required to predict the impact of this variant on DYNC1H1 protein function. In summary, the available evidence is currently insufficient to determine the role of this variant in disease. Therefore, it has been classified as a Variant of Uncertain Significance.